The following is an entry in ClinVar:

NC_000011.9:g.(?_26353823)_(26681991_?)dup

Genes: ANO3 (anoctamin 3; plus strand), MUC15 (mucin 15, cell surface associated; minus strand). Cytogenetic location: 11p14.2.
Variant type: Duplication.
Identifiers: ClinVar variation 2426970 (VCV002426970.4).

ClinVar aggregate classification (germline): Uncertain significance (1 of 4 stars; one submission).

Conditions:
Dystonic disorder. Also called: Dystonia. Identifiers: MedGen C0013421, MONDO:0003441, HP:0001332.

Submission:

Labcorp Genetics (formerly Invitae), Labcorp
Classification: Uncertain significance for Dystonic disorder. Last evaluated: 2022-09-18. Review status: criteria provided, single submitter. Criteria: Invitae Variant Classification Sherloc (09022015). Collection method: clinical testing. Allele origin: germline.
Comment: In summary, the available evidence is currently insufficient to determine the role of this variant in disease. Therefore, it has been classified as a Variant of Uncertain Significance. Experimental studies and prediction algorithms are not available or were not evaluated, and the functional significance of this variant is currently unknown. This variant has not been reported in the literature in individuals affected with ANO3-related conditions. A copy number gain of the genomic region encompassing the full coding sequence of the ANO3 gene has been identified. The boundaries of this event are unknown as they extend beyond the assayed region for this gene and therefore may encompass additional genes. As the precise location of this event is unknown, it may be in tandem or it may be located elsewhere in the genome.